The following is an entry in ClinVar:

ClinVar aggregate classification (germline): Pathogenic/Likely pathogenic. Review status: criteria provided, multiple submitters, no conflicts (2 of 4 stars). 2 submissions from 2 submitters: Pathogenic (1); Likely pathogenic (1). Last evaluated 2024-10-23.

Conditions:
GRM6-related disorders.

gnomAD v4.1: 14 of 1,613,984 alleles (0.00087%); highest among the groups gnomAD compares: Non-Finnish European, 0.00085%; no homozygotes.

Submissions (2):

Blueprint Genetics
Classification: Likely pathogenic for GRM6-related disorders. Last evaluated: 2024-10-23. Review status: criteria provided, single submitter. Criteria: ACMG Guidelines, 2015. Collection method: clinical testing. Allele origin: germline. Affected: yes. Observed: 5 variant alleles.

Labcorp Genetics (formerly Invitae), Labcorp
Classification: Pathogenic. Last evaluated: 2023-09-21. Review status: criteria provided, single submitter. Criteria: Invitae Variant Classification Sherloc (09022015). Collection method: clinical testing. Allele origin: germline.
Comment: For these reasons, this variant has been classified as Pathogenic. Algorithms developed to predict the effect of sequence changes on RNA splicing suggest that this variant may disrupt the consensus splice site. This variant has not been reported in the literature in individuals affected with GRM6-related conditions. This variant is present in population databases (rs146746317, gnomAD 0.0009%). This sequence change creates a premature translational stop signal (p.Tyr395*) in the GRM6 gene. It is expected to result in an absent or disrupted protein product. Loss-of-function variants in GRM6 are known to be pathogenic (PMID: 15781871, 16622103, 22008250).

Literature cited by the submitters: PubMed 15781871 (cited by Labcorp Genetics (formerly Invitae), Labcorp); PubMed 16622103 (cited by Labcorp Genetics (formerly Invitae), Labcorp); PubMed 22008250 (cited by Labcorp Genetics (formerly Invitae), Labcorp).

NM_000843.4(GRM6):c.1185C>A (p.Tyr395Ter)

Genes: GRM6 (glutamate metabotropic receptor 6; minus strand), ZNF454 (zinc finger protein 454; plus strand). Cytogenetic location: 5q35.3.
Variant type: single nucleotide variant.
Coding change: c.1185C>A on transcript NM_000843.4 (MANE Select); coding-DNA position 1185, C replaced by A.
Protein change: p.Tyr395Ter; replaces tyrosine 395 with a stop codon.
Molecular consequence: nonsense.
Genome position (GRCh38, 1-based): chr5:178,989,104, G>T on the plus strand (C>A on the coding strand, the complement: GRM6 is on the minus strand). VCF-style: chr5-178989104-G-T. GRCh37 (hg19) VCF-style: chr5-178416105-G-T.
Other names: short protein forms Y395*.
Identifiers: ClinVar variation 2979192 (VCV002979192.4), dbSNP rs146746317, ClinGen allele CA3594157.
Genomic context (GRCh38, chr5:178,989,104, plus strand): 5'-GAGGGCGTGGGCAATGGCGTACACCGCATCAATCACAAACTGCACCTTGCCCTCCTGCTC[G>T]TAGGTGGAGTCCCGGCCGATGCGTTCCTCGCCTGTCCTAGGGATGCCCAGAGAAAGTGTG-3'